The following is an entry in ClinVar:

NM_001123385.2(BCOR):c.2624T>C (p.Val875Ala)

Gene: BCOR (BCL6 corepressor; minus strand). Cytogenetic location: Xp11.4.
Variant type: single nucleotide variant.
Coding change: c.2624T>C on transcript NM_001123385.2 (MANE Select); coding-DNA position 2624, T replaced by C.
Protein change: p.Val875Ala; replaces valine 875 with alanine.
Molecular consequence: missense variant.
Genome position (GRCh38, 1-based): chrX:40,072,722, A>G on the plus strand (T>C on the coding strand, the complement: BCOR is on the minus strand). VCF-style: chrX-40072722-A-G. GRCh37 (hg19) VCF-style: chrX-39931975-A-G.
Other names: c.2624T>C, p.Val875Ala (NM_001123383.2, NM_001123384.2, NM_001437510.1 and 4 more transcripts); short protein forms V875A.
Identifiers: ClinVar variation 5032841 (VCV005032841.1).
Genomic context (GRCh38, chrX:40,072,722, plus strand): 5'-GGCAACCCTAGGTTCTCTTTGTTGGTACCTGCCAGAACACTGTCCTTGCTTACGGTGAAG[A>G]CTGGCTGTTTGAAAGTATAAGTTTCGTGGAAGTCACTGATGCGCCCCAACTCCTCTCTCA-3'
Protein context (NP_001116857.1, residues 865-885): FHETYTFKQP[Val875Ala]FTVSKDSVLA

ClinVar aggregate classification (germline): Uncertain significance (1 of 4 stars; one submission).

Conditions:
Inborn genetic diseases. Identifiers: MedGen C0950123, MeSH D030342.

gnomAD v4.1: 2 of 1,211,625 alleles (0.00017%); highest among the groups gnomAD compares: Admixed American, 0.0043%; no homozygotes.

Submission:

Ambry Genetics
Classification: Uncertain significance for Inborn genetic diseases. Last evaluated: 2026-08-23. Review status: criteria provided, single submitter. Criteria: Ambry Variant Classification Scheme 2023. Collection method: clinical testing. Allele origin: germline.
Comment: The c.2624T>C (p.V875A) alteration is located in exon 4 (coding exon 3) of the BCOR gene. This alteration results from a T to C substitution at nucleotide position 2624, causing the valine (V) at amino acid position 875 to be replaced by an alanine (A). Based on data from gnomAD, the C allele has an overall frequency of <0.001% (1/183476) total alleles studied. The highest observed frequency was 0.004% (1/27425) of Latino alleles. Based on insufficient or conflicting evidence, the clinical significance of this alteration remains unclear.